The following is an entry in ClinVar:

NM_032436.4(CHAMP1):c.530_532delinsTTT (p.Ser177_Lys178delinsPheTer)

Gene: CHAMP1 (chromosome alignment maintaining phosphoprotein 1; plus strand). Cytogenetic location: 13q34.
Variant type: Indel.
Coding change: c.530_532delinsTTT on transcript NM_032436.4 (MANE Select); coding-DNA positions 530 to 532, CAA replaced by TTT.
Protein change: p.Ser177_Lys178delinsPheTer.
Molecular consequence: nonsense.
Genome position (GRCh38, 1-based): chr13:114,324,372-114,324,374, CAA replaced by TTT. VCF-style: chr13-114324372-CAA-TTT. GRCh37 (hg19) VCF-style: chr13-115089847-CAA-TTT.
Other names: c.530_532delinsTTT, p.Ser177_Lys178delinsPheTer (NM_001164144.3, NM_001164145.3).
Identifiers: ClinVar variation 997692 (VCV000997692.2), dbSNP rs2139418772, ClinGen allele CA2499221961.

ClinVar aggregate classification (germline): Pathogenic (0 of 4 stars; one submission).

Conditions:
Neurodevelopmental disorder with hypotonia, impaired language, and dysmorphic features. Also called: Intellectual disability, autosomal dominant 40. Identifiers: Orphanet 692193, MedGen C5676894, MONDO:0014699, OMIM 616579.

Submission:

Neurology Department of Pediatrics, The Third Affiliated Hospital of Zhengzhou University
Classification: Pathogenic for Neurodevelopmental disorder with hypotonia, impaired language, and dysmorphic features. Last evaluated: 2019-08-11. Review status: no assertion criteria provided. Collection method: research. Allele origin: de novo. Affected: yes. Observed: 1 variant allele, 1 heterozygote.
Comment: The human CHAMP1 protein is an 812-amino-acid zinc-finger protein that is located on chromosome 13q34 and is expressed in the fetal brain during development and in all adult tissues. The protein contains 5 C-terminal C2H2 zinc-finger domains that were shown to regulate the binding of CHAMP1 to chromosomes on the mitotic spindle in vitro, which plays a key role in proper chromosome alignment. All 18 individuals with ID carrying CHAMP1 mutations had de novo mutations, and 17 mutation sites were identified because two patients carried the same mutations: c.1192C>T (p.Arg398*). The reported gene mutation types are nonsense and frameshift mutations, all of which induced the synthesis of truncated proteins . Thus, based on these findings, all the truncating mutations would result in loss of function (LOF) of the CHAMP1 protein, which indicates the requirement for the function of the lost C-terminal domains or proteic regions. Two regions, aa451-590 (FPE motifs) and aa591-812 (containing zinc-finger domains, C-ZNF), localize to the spindle and both the chromosomes and the spindle, respectively, which are essential for proper chromosome alignment. In addition to the disruption of microtubule-kinetochore attachment, other functional studies have shown that truncated CHAMP1 proteins are unable to bind to two of its direct partners, POGZ and HP1, suggesting a pathogenic mechanism mediated by direct interacting proteins of CHAMP1, several of which are involved in syndromic ID. In summary, functional loss of the C-terminus of CHAMP1 alters the localization to chromosomes and spindles and disrupts the microtubule attachment complex, which results in kinetochore-microtubule-related syndromic ID.

Literature cited by the submitters: PubMed 26340335.